The following is an entry in ClinVar:

ClinVar aggregate classification (germline): Conflicting classifications of pathogenicity. Review status: criteria provided, conflicting classifications (1 of 4 stars). 2 submissions from 2 submitters: Uncertain significance (1); Likely benign (1). Last evaluated 2022-06-05.

Conditions:
Idiopathic Pulmonary Fibrosis. Also called: Idiopathic fibrosing alveolitis, chronic form; idiopathic fibrosing alveolitis. Identifiers: Orphanet 2032, MedGen C1800706, MeSH D054990, MONDO:0800504.
Dyskeratosis congenita, autosomal dominant 2. Identifiers: MedGen C3151443, MONDO:0013521, OMIM 613989.
Dyskeratosis congenita. Identifiers: Orphanet 1775, MedGen C0265965, MONDO:0015780.

Submissions (2):

Ambry Genetics
Classification: Likely benign for Dyskeratosis congenita. Last evaluated: 2022-06-05. Review status: criteria provided, single submitter. Criteria: Ambry Variant Classification Scheme 2023. Collection method: clinical testing. Allele origin: germline.

Labcorp Genetics (formerly Invitae), Labcorp
Classification: Uncertain significance for Dyskeratosis congenita, autosomal dominant 2; Idiopathic Pulmonary Fibrosis. Last evaluated: 2020-10-19. Review status: criteria provided, single submitter. Criteria: Invitae Variant Classification Sherloc (09022015). Collection method: clinical testing. Allele origin: germline.
Comment: This variant is not present in population databases (ExAC no frequency). This variant has not been reported in the literature in individuals with TERT-related conditions. Advanced modeling of protein sequence and biophysical properties (such as structural, functional, and spatial information, amino acid conservation, physicochemical variation, residue mobility, and thermodynamic stability) performed at Invitae indicates that this missense variant is not expected to disrupt TERT protein function. In summary, the available evidence is currently insufficient to determine the role of this variant in disease. Therefore, it has been classified as a Variant of Uncertain Significance. This sequence change replaces isoleucine with leucine at codon 495 of the TERT protein (p.Ile495Leu). The isoleucine residue is moderately conserved and there is a small physicochemical difference between isoleucine and leucine.

NM_198253.3(TERT):c.1483A>C (p.Ile495Leu)

Gene: TERT (telomerase reverse transcriptase; minus strand). Cytogenetic location: 5p15.33.
Variant type: single nucleotide variant.
Coding change: c.1483A>C on transcript NM_198253.3 (MANE Select); coding-DNA position 1483, A replaced by C.
Protein change: p.Ile495Leu; replaces isoleucine 495 with leucine.
Molecular consequence: missense variant. On other transcripts: non-coding transcript variant (2).
Genome position (GRCh38, 1-based): chr5:1,293,403, T>G on the plus strand (A>C on the coding strand, the complement: TERT is on the minus strand). VCF-style: chr5-1293403-T-G. GRCh37 (hg19) VCF-style: chr5-1293518-T-G.
Other names: c.1483A>C, p.Ile495Leu (NM_001193376.3); short protein forms I495L.
Identifiers: ClinVar variation 1018250 (VCV001018250.11), dbSNP rs1561213308, ClinGen allele CA359085389.